The following is an entry in ClinVar:

NM_006922.4(SCN3A):c.81A>T (p.Lys27Asn)

Gene: SCN3A (sodium voltage-gated channel alpha subunit 3; minus strand). Cytogenetic location: 2q24.3.
Variant type: single nucleotide variant.
Coding change: c.81A>T on transcript NM_006922.4 (MANE Select); coding-DNA position 81, A replaced by T.
Protein change: p.Lys27Asn; replaces lysine 27 with asparagine.
Molecular consequence: missense variant.
Genome position (GRCh38, 1-based): chr2:165,176,314, T>A on the plus strand (A>T on the coding strand, the complement: SCN3A is on the minus strand). VCF-style: chr2-165176314-T-A. GRCh37 (hg19) VCF-style: chr2-166032824-T-A.
Other names: c.81A>T, p.Lys27Asn (NM_001081676.2, NM_001081677.2); short protein forms K27N.
Identifiers: ClinVar variation 2116614 (VCV002116614.4), dbSNP rs1290381517, ClinGen allele CA349241115.

ClinVar aggregate classification (germline): Uncertain significance (1 of 4 stars; one submission).

Allele frequency attached by ClinVar (database versions not stated): gnomAD exomes below 0.00001; TOPMed 0.00001.
gnomAD v4.1: 1 of 1,613,968 alleles (0.000062%); highest among the groups gnomAD compares: East Asian, 0.0022%; no homozygotes.

Submission:

Labcorp Genetics (formerly Invitae), Labcorp
Classification: Uncertain significance. Last evaluated: 2022-09-06. Review status: criteria provided, single submitter. Criteria: Invitae Variant Classification Sherloc (09022015). Collection method: clinical testing. Allele origin: germline.
Comment: In summary, the available evidence is currently insufficient to determine the role of this variant in disease. Therefore, it has been classified as a Variant of Uncertain Significance. Algorithms developed to predict the effect of missense changes on protein structure and function (SIFT, PolyPhen-2, Align-GVGD) all suggest that this variant is likely to be tolerated. This variant has not been reported in the literature in individuals affected with SCN3A-related conditions. This variant is not present in population databases (gnomAD no frequency). This sequence change replaces lysine, which is basic and polar, with asparagine, which is neutral and polar, at codon 27 of the SCN3A protein (p.Lys27Asn).